The following is an entry in ClinVar:

ClinVar aggregate classification (germline): Uncertain significance (1 of 4 stars; one submission).

Submission:

Ambry Genetics
Classification: Uncertain significance. Last evaluated: 2023-06-10. Review status: criteria provided, single submitter. Criteria: Ambry Variant Classification Scheme 2023. Collection method: clinical testing. Allele origin: germline.
Comment: The p.L1315I variant (also known as c.3943C>A), located in coding exon 16 of the POLQ gene, results from a C to A substitution at nucleotide position 3943. The leucine at codon 1315 is replaced by isoleucine, an amino acid with highly similar properties. This amino acid position is conserved. In addition, this alteration is predicted to be tolerated by in silico analysis. Since supporting evidence is limited at this time, the clinical significance of this alteration remains unclear.

NM_199420.4(POLQ):c.3943C>A (p.Leu1315Ile)

Gene: POLQ (DNA polymerase theta; minus strand). Cytogenetic location: 3q13.33.
Variant type: single nucleotide variant.
Coding change: c.3943C>A on transcript NM_199420.4 (MANE Select); coding-DNA position 3943, C replaced by A.
Protein change: p.Leu1315Ile; replaces leucine 1315 with isoleucine.
Molecular consequence: missense variant.
Genome position (GRCh38, 1-based): chr3:121,488,988, G>T on the plus strand (C>A on the coding strand, the complement: POLQ is on the minus strand). VCF-style: chr3-121488988-G-T. GRCh37 (hg19) VCF-style: chr3-121207835-G-T.
Other names: short protein forms L1315I.
Identifiers: ClinVar variation 2563893 (VCV002563893.2), dbSNP rs1451315164, ClinGen allele CA354096593.